The following is an entry in ClinVar:

ClinVar aggregate classification (germline): Uncertain significance (1 of 4 stars; one submission).

Allele frequency attached by ClinVar (database versions not stated): TOPMed 0.00001; ExAC 0.00003.
gnomAD v4.1: 3 of 1,613,238 alleles (0.00019%); highest among the groups gnomAD compares: Non-Finnish European, 0.00025%; no homozygotes.

Submission:

Labcorp Genetics (formerly Invitae), Labcorp
Classification: Uncertain significance. Last evaluated: 2022-02-03. Review status: criteria provided, single submitter. Criteria: Invitae Variant Classification Sherloc (09022015). Collection method: clinical testing. Allele origin: germline.
Comment: In summary, the available evidence is currently insufficient to determine the role of this variant in disease. Therefore, it has been classified as a Variant of Uncertain Significance. Algorithms developed to predict the effect of missense changes on protein structure and function are either unavailable or do not agree on the potential impact of this missense change (SIFT: "Tolerated"; PolyPhen-2: "Possibly Damaging"; Align-GVGD: "Class C0"). This variant has not been reported in the literature in individuals affected with IFT74-related conditions. This variant is present in population databases (rs748190081, gnomAD 0.003%). This sequence change replaces alanine, which is neutral and non-polar, with proline, which is neutral and non-polar, at codon 391 of the IFT74 protein (p.Ala391Pro).

NM_025103.4(IFT74):c.1171G>C (p.Ala391Pro)

Gene: IFT74 (intraflagellar transport 74; plus strand). Cytogenetic location: 9p21.2.
Variant type: single nucleotide variant.
Coding change: c.1171G>C on transcript NM_025103.4 (MANE Select); coding-DNA position 1171, G replaced by C.
Protein change: p.Ala391Pro; replaces alanine 391 with proline.
Molecular consequence: missense variant.
Genome position (GRCh38, 1-based): chr9:27,047,336, G>C. VCF-style: chr9-27047336-G-C. GRCh37 (hg19) VCF-style: chr9-27047334-G-C.
Other names: c.1171G>C, p.Ala391Pro (NM_001099222.3, NM_001099223.3, NM_001349928.2); short protein forms A391P.
Identifiers: ClinVar variation 1901655 (VCV001901655.5), dbSNP rs748190081, ClinGen allele CA5015587.